The following is an entry in ClinVar:

NM_001020658.2(PUM1):c.3103A>T (p.Thr1035Ser)

Gene: PUM1 (pumilio RNA binding family member 1; minus strand). Cytogenetic location: 1p35.2.
Variant type: single nucleotide variant.
Coding change: c.3103A>T on transcript NM_001020658.2 (MANE Select); coding-DNA position 3103, A replaced by T.
Protein change: p.Thr1035Ser; replaces threonine 1035 with serine.
Molecular consequence: missense variant.
Genome position (GRCh38, 1-based): chr1:30,942,015, T>A on the plus strand (A>T on the coding strand, the complement: PUM1 is on the minus strand). VCF-style: chr1-30942015-T-A. GRCh37 (hg19) VCF-style: chr1-31414862-T-A.
Other names: c.3097A>T, p.Thr1033Ser (NM_014676.3); short protein forms T1033S, T1035S.
Identifiers: ClinVar variation 617924 (VCV000617924.11), dbSNP rs771145682, ClinGen allele CA728809.

ClinVar aggregate classification (germline): Conflicting classifications of pathogenicity. Review status: criteria provided, conflicting classifications (1 of 4 stars). 3 submissions from 3 submitters: Likely pathogenic (1); Uncertain significance (1). 1 of the submissions does not count toward it. Last evaluated 2026-08-05.

Conditions:
Spinocerebellar ataxia 47 (NEDMSF). Also called: PADDAS SYNDROME; neurodevelopmental disorder with motor abnormalities, seizures, and facial dysmorphism. Identifiers: Orphanet 642747, MedGen C4693672, MONDO:0033482, OMIM 620719.
Late-onset spinocerebellar ataxia.

Allele frequency attached by ClinVar (database versions not stated): gnomAD exomes below 0.00001 and 0.00001; ExAC 0.00001.
gnomAD v4.1: 3 of 1,581,886 alleles (0.00019%); highest among the groups gnomAD compares: Non-Finnish European, 0.00026%; no homozygotes.

Submissions (3):

GeneDx
Classification: Likely pathogenic. Last evaluated: 2026-08-05. Review status: criteria provided, single submitter. Criteria: GeneDx Variant Classification Process June 2021. Collection method: clinical testing. Allele origin: germline.
Comment: Published functional studies suggest a damaging effect and demonstrate an inability to suppress ATNX1 and E2F3 (PMID: 29474920); Not observed at significant frequency in large population cohorts (gnomAD); In silico analysis supports that this missense variant has a deleterious effect on protein structure/function; This variant is associated with the following publications: (PMID: 30284037, 30316580, 33397688, 33163565, 37070548, 35310075, 29474920, 35146449, 34401960, 40191983)

SIB Swiss Institute of Bioinformatics
Classification: Uncertain significance for Late-onset spinocerebellar ataxia. Last evaluated: 2025-06-19. Review status: criteria provided, single submitter. Criteria: ACMG Guidelines, 2015. Collection method: curation. Allele origin: germline. Inheritance: Autosomal dominant inheritance.
Comment: This variant is interpreted as variant of uncertain significance for late-onset spinocerebellar ataxia, autosomal dominant. The following ACMG criteria were applied: PM2_supporting => Absent from controls (or at extremely low frequency if recessive) in Exome Sequencing Project, 1000 Genomes Project, or Exome Aggregation Consortium. PS3 => Well-established functional studies show a deleterious effect (PubMed 29474920). BP5 => Variant found in a case with an alternate molecular basis for disease (PubMed 40191983).

OMIM
Classification: Uncertain significance for RECLASSIFIED - VARIANT OF UNKNOWN SIGNIFICANCE. Last evaluated: 2025-05-02. Review status: no assertion criteria provided. Collection method: literature only. Allele origin: germline. Not counted in ClinVar's aggregate classification.

Literature cited by the submitters: PubMed 29474920 (cited by SIB Swiss Institute of Bioinformatics and OMIM); PubMed 40191983 (cited by SIB Swiss Institute of Bioinformatics and OMIM).